The following is an entry in ClinVar:

ClinVar aggregate classification (germline): Uncertain significance. Review status: criteria provided, multiple submitters, no conflicts (2 of 4 stars). 2 submissions from 2 submitters: Uncertain significance (2). Last evaluated 2023-03-27.

Conditions:
Joubert syndrome. Also called: CEREBELLOPARENCHYMAL DISORDER IV; JOUBERT-BOLTSHAUSER SYNDROME; Familial aplasia of the vermis. Identifiers: Orphanet 475, MedGen C5979921, MONDO:0018772.
Meckel-Gruber syndrome. Also called: DYSENCEPHALIA SPLANCHNOCYSTICA; GRUBER SYNDROME; Dysencephalia splachnocystica. Identifiers: Orphanet 564, MedGen C0265215, MONDO:0018921.

Allele frequency attached by ClinVar (database versions not stated): ExAC 0.00001; gnomAD 0.00001; TOPMed 0.00001.
gnomAD v4.1: 1 of 1,614,076 alleles (0.000062%); highest among the groups gnomAD compares: African/African-American, 0.0013%; no homozygotes.

Submissions (2):

Genetic Services Laboratory, University of Chicago
Classification: Uncertain significance. Last evaluated: 2023-03-27. Review status: criteria provided, single submitter. Criteria: ACMG Guidelines, 2015. Collection method: clinical testing. Allele origin: germline. Affected: no.
Comment: DNA sequence analysis of the TCTN1 gene demonstrated a sequence change, c.1600G>A, in exon 13 that results in an amino acid change, p.Val534Ile. This sequence change has been described in the gnomAD database in one individual corresponding to a population frequency of 0.0004% (dbSNP rs762801024). The p.Val534Ile change affects a moderately conserved amino acid residue located in a domain of the TCTN1 protein that is not known to be functional. In-silico pathogenicity prediction tools (SIFT, PolyPhen2, Align GVGD, REVEL) provide contradictory results for the p.Val534Ile substitution. This sequence change does not appear to have been previously described in individuals with TCTN1-related disorders. Due to insufficient evidences and the lack of functional studies, the clinical significance of the p.Val534Ile change remains unknown at this time.

Labcorp Genetics (formerly Invitae), Labcorp
Classification: Uncertain significance for Joubert syndrome; Meckel-Gruber syndrome. Last evaluated: 2022-03-04. Review status: criteria provided, single submitter. Criteria: Invitae Variant Classification Sherloc (09022015). Collection method: clinical testing. Allele origin: germline.
Comment: In summary, the available evidence is currently insufficient to determine the role of this variant in disease. Therefore, it has been classified as a Variant of Uncertain Significance. Algorithms developed to predict the effect of sequence changes on RNA splicing suggest that this variant may disrupt the consensus splice site. This sequence change replaces valine, which is neutral and non-polar, with isoleucine, which is neutral and non-polar, at codon 534 of the TCTN1 protein (p.Val534Ile). This variant is present in population databases (rs762801024, gnomAD 0.007%). This variant has not been reported in the literature in individuals affected with TCTN1-related conditions. Algorithms developed to predict the effect of missense changes on protein structure and function (SIFT, PolyPhen-2, Align-GVGD) all suggest that this variant is likely to be disruptive.

NM_001082538.3(TCTN1):c.1600G>A (p.Val534Ile)

Gene: TCTN1 (tectonic family member 1; plus strand). Cytogenetic location: 12q24.11.
Variant type: single nucleotide variant.
Coding change: c.1600G>A on transcript NM_001082538.3 (MANE Select); coding-DNA position 1600, G replaced by A.
Protein change: p.Val534Ile; replaces valine 534 with isoleucine.
Molecular consequence: missense variant. On other transcripts: non-coding transcript variant (1).
Genome position (GRCh38, 1-based): chr12:110,647,301, G>A. VCF-style: chr12-110647301-G-A. GRCh37 (hg19) VCF-style: chr12-111085106-G-A.
Other names: c.1585G>A, p.Val529Ile (NM_001082537.3); c.1417G>A, p.Val473Ile (NM_001173975.3); c.1273G>A, p.Val425Ile (NM_001173976.2); c.1438G>A, p.Val480Ile (NM_001319680.2); c.1051G>A, p.Val351Ile (NM_001319681.2); c.1543G>A, p.Val515Ile (NM_024549.6); c.1600G>A (NM_001082538.2); short protein forms V425I, V515I, V351I, V473I, V534I, V480I, V529I.
Identifiers: ClinVar variation 2185792 (VCV002185792.5), dbSNP rs762801024, ClinGen allele CA6786927.